The following is an entry in ClinVar:

NM_000179.3(MSH6):c.629T>C (p.Val210Ala)

Gene: MSH6 (mutS homolog 6; plus strand). Cytogenetic location: 2p16.3.
Variant type: single nucleotide variant.
Coding change: c.629T>C on transcript NM_000179.3 (MANE Select); coding-DNA position 629, T replaced by C.
Protein change: p.Val210Ala; replaces valine 210 with alanine.
Molecular consequence: missense variant. On other transcripts: 5 prime UTR variant (1), intron variant (1).
Genome position (GRCh38, 1-based): chr2:47,798,612, T>C. VCF-style: chr2-47798612-T-C. GRCh37 (hg19) VCF-style: chr2-48025751-T-C.
Other names: c.239T>C, p.Val80Ala (NM_001281492.2); c.-278T>C (NM_001281493.2); c.-275-3T>C (NM_001281494.2); short protein forms V210A, V80A.
Identifiers: ClinVar variation 525771 (VCV000525771.11), dbSNP rs201431515, ClinGen allele CA073272.

ClinVar aggregate classification (germline): Uncertain significance. Review status: criteria provided, multiple submitters, no conflicts (2 of 4 stars). 2 submissions from 2 submitters: Uncertain significance (2). Last evaluated 2024-04-16.

Conditions:
Hereditary cancer-predisposing syndrome. Also called: Neoplastic Syndromes, Hereditary; Tumor predisposition; Hereditary Cancer Syndrome; Hereditary neoplastic syndrome. Identifiers: Orphanet 140162, MedGen C0027672, MeSH D009386, MONDO:0015356.
Hereditary nonpolyposis colorectal neoplasms. Identifiers: MedGen C0009405, MeSH D003123.

Allele frequency attached by ClinVar (database versions not stated): ExAC below 0.00001; gnomAD 0.00001; 1000 Genomes Project 0.00020; 1000 Genomes Project 30x 0.00031.
gnomAD v4.1: 1 of 1,609,668 alleles (0.000062%); highest among the groups gnomAD compares: Admixed American, 0.0017%; no homozygotes.

Submissions (2):

Labcorp Genetics (formerly Invitae), Labcorp
Classification: Uncertain significance for Hereditary nonpolyposis colorectal neoplasms. Last evaluated: 2024-04-16. Review status: criteria provided, single submitter. Criteria: Invitae Variant Classification Sherloc (09022015). Collection method: clinical testing. Allele origin: germline.
Comment: This sequence change replaces valine, which is neutral and non-polar, with alanine, which is neutral and non-polar, at codon 210 of the MSH6 protein (p.Val210Ala). This variant is not present in population databases (gnomAD no frequency). This variant has not been reported in the literature in individuals affected with MSH6-related conditions. ClinVar contains an entry for this variant (Variation ID: 525771). An algorithm developed specifically for the MSH6 gene suggests that this missense change is likely to be tolerated (PMID: 23621914). In summary, the available evidence is currently insufficient to determine the role of this variant in disease. Therefore, it has been classified as a Variant of Uncertain Significance.

Ambry Genetics
Classification: Uncertain significance for Hereditary cancer-predisposing syndrome. Last evaluated: 2021-11-22. Review status: criteria provided, single submitter. Criteria: Ambry Variant Classification Scheme 2023. Collection method: clinical testing. Allele origin: germline.
Comment: The p.V210A variant (also known as c.629T>C), located in coding exon 4 of the MSH6 gene, results from a T to C substitution at nucleotide position 629. The valine at codon 210 is replaced by alanine, an amino acid with similar properties. This alteration was identified in 2/1358 non-cancer control individuals and in 0/57 cases, in a study looking at cancer predisposition mutations in patients with cutaneous melanoma and a history of at least two additional non-cutaneous melanoma primary cancers (Pritchard AL et al. PLoS One, 2018 Apr;13:e0194098). This amino acid position is not well conserved in available vertebrate species. In addition, this alteration is predicted to be tolerated by in silico analysis. Since supporting evidence is limited at this time, the clinical significance of this alteration remains unclear.

Literature cited by the submitters: PubMed 23621914 (cited by Labcorp Genetics (formerly Invitae), Labcorp); PubMed 29641532 (cited by Ambry Genetics).